The following is an entry in ClinVar:

ClinVar aggregate classification (germline): Uncertain significance (1 of 4 stars; one submission).

Allele frequency attached by ClinVar (database versions not stated): gnomAD 0.00001; gnomAD exomes 0.00001 and 0.00002; TOPMed 0.00001; ExAC 0.00002.
gnomAD v4.1: 18 of 1,614,058 alleles (0.0011%); highest among the groups gnomAD compares: Middle Eastern, 0.033%; no homozygotes.

Submission:

Labcorp Genetics (formerly Invitae), Labcorp
Classification: Uncertain significance. Last evaluated: 2022-09-27. Review status: criteria provided, single submitter. Criteria: Invitae Variant Classification Sherloc (09022015). Collection method: clinical testing. Allele origin: germline.
Comment: This sequence change replaces isoleucine, which is neutral and non-polar, with threonine, which is neutral and polar, at codon 345 of the ACBD5 protein (p.Ile345Thr). This variant is present in population databases (rs750391724, gnomAD 0.006%). This variant has not been reported in the literature in individuals affected with ACBD5-related conditions. ClinVar contains an entry for this variant (Variation ID: 1367191). Advanced modeling of protein sequence and biophysical properties (such as structural, functional, and spatial information, amino acid conservation, physicochemical variation, residue mobility, and thermodynamic stability) performed at Invitae indicates that this missense variant is not expected to disrupt ACBD5 protein function. In summary, the available evidence is currently insufficient to determine the role of this variant in disease. Therefore, it has been classified as a Variant of Uncertain Significance.

NM_145698.5(ACBD5):c.1034T>C (p.Ile345Thr)

Gene: ACBD5 (acyl-CoA binding domain containing 5; minus strand). Cytogenetic location: 10p12.1.
Variant type: single nucleotide variant.
Coding change: c.1034T>C on transcript NM_145698.5 (MANE Select); coding-DNA position 1034, T replaced by C.
Protein change: p.Ile345Thr; replaces isoleucine 345 with threonine.
Molecular consequence: missense variant.
Genome position (GRCh38, 1-based): chr10:27,210,984, A>G on the plus strand (T>C on the coding strand, the complement: ACBD5 is on the minus strand). VCF-style: chr10-27210984-A-G. GRCh37 (hg19) VCF-style: chr10-27499913-A-G.
Other names: c.929T>C, p.Ile310Thr (NM_001042473.4, NM_001352577.2, NM_001352578.2 and 1 more transcripts); c.1028T>C, p.Ile343Thr (NM_001271512.3); c.707T>C, p.Ile236Thr (NM_001301251.2, NM_001301252.2, NM_001301253.2 and 2 more transcripts); c.503T>C, p.Ile168Thr (NM_001301254.2); c.1088T>C, p.Ile363Thr (NM_001352568.1); c.1067T>C, p.Ile356Thr (NM_001352569.1); c.1034T>C, p.Ile345Thr (NM_001352570.1); c.1061T>C, p.Ile354Thr (NM_001352571.1); and 10 more; short protein forms I275T, I292T, I310T, I363T, I168T, I247T, I277T, I343T.
Identifiers: ClinVar variation 1367191 (VCV001367191.3), dbSNP rs750391724, ClinGen allele CA5450763.